The following is an entry in ClinVar:

ClinVar aggregate classification (germline): Likely pathogenic (1 of 4 stars; one submission).

Conditions:
Fanconi anemia (FA). Also called: Fanconi's anemia. Identifiers: Orphanet 84, MedGen C0015625, MeSH D005199, MONDO:0019391.

Submission:

Labcorp Genetics (formerly Invitae), Labcorp
Classification: Likely pathogenic for Fanconi anemia. Last evaluated: 2021-09-26. Review status: criteria provided, single submitter. Criteria: Invitae Variant Classification Sherloc (09022015). Collection method: clinical testing. Allele origin: germline.
Comment: In summary, the currently available evidence indicates that the variant is pathogenic, but additional data are needed to prove that conclusively. Therefore, this variant has been classified as Likely Pathogenic. Algorithms developed to predict the effect of sequence changes on RNA splicing suggest that this variant may disrupt the consensus splice site. This variant has not been reported in the literature in individuals affected with FANCC-related conditions. This variant is not present in population databases (ExAC no frequency). This sequence change affects a donor splice site in intron 5 of the FANCC gene. It is expected to disrupt RNA splicing. Variants that disrupt the donor or acceptor splice site typically lead to a loss of protein function (PMID: 16199547), and loss-of-function variants in FANCC are known to be pathogenic (PMID: 17924555).

Literature cited by the submitters: PubMed 16199547; PubMed 17924555.

NM_000136.3(FANCC):c.456+1G>A

Gene: FANCC (FA complementation group C; minus strand). Cytogenetic location: 9q22.32.
Variant type: single nucleotide variant.
Coding change: c.456+1G>A on transcript NM_000136.3 (MANE Select); the canonical splice donor site of the intron after coding-DNA position 456, G replaced by A.
Molecular consequence: splice donor variant.
Genome position (GRCh38, 1-based): chr9:95,172,036, C>T on the plus strand (G>A on the coding strand, the complement: FANCC is on the minus strand). VCF-style: chr9-95172036-C-T. GRCh37 (hg19) VCF-style: chr9-97934318-C-T.
Other names: c.456+1G>A (NM_001243743.2, NM_001243744.2).
Identifiers: ClinVar variation 1497857 (VCV001497857.6), dbSNP rs2135587402, ClinGen allele CA374338690.